The following is an entry in ClinVar:

NM_001204.7(BMPR2):c.*7496T>C

Gene: BMPR2 (bone morphogenetic protein receptor type 2; plus strand). Cytogenetic location: 2q33.2.
Variant type: single nucleotide variant.
Coding change: c.*7496T>C on transcript NM_001204.7 (MANE Select); 7496 bases downstream of the stop codon, T replaced by C.
Molecular consequence: 3 prime UTR variant.
Genome position (GRCh38, 1-based): chr2:202,567,442, T>C. VCF-style: chr2-202567442-T-C. GRCh37 (hg19) VCF-style: chr2-203432165-T-C.
Other names: c.*7496T>C (LRG_712t1).
Identifiers: ClinVar variation 333728 (VCV000333728.5), dbSNP rs144181329, ClinGen allele CA10612099.
Genomic context (GRCh38, chr2:202,567,442, plus strand): 5'-CATTACAGATAGACTATCATATATGACTTTATGAATAATTTCAGTTATTTTGCTTTTGTA[T>C]AAGCTGTCTGAAGCCTTGCTATGCTGTATAAGTTGTGTTTGATGGATCAGTGTGAGTATA-3'

ClinVar aggregate classification (germline): Benign (1 of 4 stars; one submission).

Conditions:
Pulmonary hypertension, primary, 1 (PPH1). Also called: Pulmonary hypertension, familial primary, 1, with or without HHT. Identifiers: Orphanet 422, MedGen C4552070, MONDO:0024533, OMIM 178600.

Allele frequency attached by ClinVar (database versions not stated): gnomAD 0.00002 and 0.00003; 1000 Genomes Project 30x 0.00031; TOPMed 0.00002; 1000 Genomes Project 0.00040.
gnomAD v4.1: 5 of 152,796 alleles (0.0033%); highest among the groups gnomAD compares: African/African-American, 0.012%; no homozygotes.

Submission:

Illumina Laboratory Services, Illumina
Classification: Benign for Pulmonary hypertension, primary, 1. Last evaluated: 2018-01-12. Review status: criteria provided, single submitter. Criteria: ICSL Variant Classification Criteria 13 December 2019. Collection method: clinical testing. Allele origin: germline.
Comment: This variant was observed in the ICSL laboratory as part of a predisposition screen in an ostensibly healthy population. It had not been previously curated by ICSL or reported in the Human Gene Mutation Database (HGMD: prior to June 1st, 2018), and was therefore a candidate for classification through an automated scoring system. Utilizing variant allele frequency, disease prevalence and penetrance estimates, and inheritance mode, an automated score was calculated to assess if this variant is too frequent to cause the disease. Based on the score and internal cut-off values, a variant classified as benign is not then subjected to further curation. The score for this variant resulted in a classification of benign for this disease.